The following is an entry in ClinVar:

NM_000702.4(ATP1A2):c.3022C>T (p.Arg1008Trp)

Gene: ATP1A2 (ATPase Na+/K+ transporting subunit alpha 2; plus strand). Cytogenetic location: 1q23.2.
Variant type: single nucleotide variant.
Coding change: c.3022C>T on transcript NM_000702.4 (MANE Select); coding-DNA position 3022, C replaced by T.
Protein change: p.Arg1008Trp; replaces arginine 1008 with tryptophan.
Molecular consequence: missense variant.
Genome position (GRCh38, 1-based): chr1:160,139,972, C>T. VCF-style: chr1-160139972-C-T. GRCh37 (hg19) VCF-style: chr1-160109762-C-T.
Other names: NP_000693.1:p.(Arg1008Trp); short protein forms R1008W.
Identifiers: ClinVar variation 1810671 (VCV001810671.7), dbSNP rs2524899245, ClinGen allele CA343256671.
Genomic context (GRCh38, chr1:160,139,972, plus strand): 5'-GCCTTCCCCTACAGCCTCCTCATCTTCATCTATGATGAGGTCCGAAAGCTCATCCTGCGG[C>T]GGTATCCTGGTGGTAAGCCCCTCCACATTCCCCCCAGCAAAGTGCAAGCCCCACCACCAG-3'
Protein context (NP_000693.1, residues 998-1018): YDEVRKLILR[Arg1008Trp]YPGGWVEKET

ClinVar aggregate classification (germline): Conflicting classifications of pathogenicity. Review status: criteria provided, conflicting classifications (1 of 4 stars). 3 submissions from 3 submitters: Likely pathogenic (1); Uncertain significance (2). Last evaluated 2026-01-01.

Conditions:
Developmental and epileptic encephalopathy. Identifiers: MedGen C5779964, MONDO:0100620.
Familial hemiplegic migraine. Identifiers: MedGen C0338484, MONDO:0000700.

Allele frequency attached by ClinVar (database versions not stated): gnomAD exomes below 0.00001.
gnomAD v4.1: 4 of 1,613,868 alleles (0.00025%); highest among the groups gnomAD compares: Non-Finnish European, 0.00034%; no homozygotes.

Submissions (3):

Unidad de Genómica Garrahan, Hospital de Pediatría Garrahan
Classification: Likely pathogenic for Developmental and epileptic encephalopathy. Last evaluated: 2026-01-01. Review status: criteria provided, single submitter. Criteria: ACMG Guidelines, 2015. Collection method: clinical testing. Allele origin: germline. Affected: yes. Observed: 1 variant allele.
Comment: ACMG/AMP criteria applied: PM2_supporting, PM6_moderate, PP2_supporting, PP3_moderate.

Labcorp Genetics (formerly Invitae), Labcorp
Classification: Uncertain significance for Familial hemiplegic migraine. Last evaluated: 2025-12-29. Review status: criteria provided, single submitter. Criteria: Invitae Variant Classification Sherloc (09022015). Collection method: clinical testing. Allele origin: germline.
Comment: This sequence change replaces arginine, which is basic and polar, with tryptophan, which is neutral and slightly polar, at codon 1008 of the ATP1A2 protein (p.Arg1008Trp). This variant is not present in population databases (gnomAD no frequency). This missense change has been observed in individual(s) with clinical features of alternating hemiplegia and/or epilepsy (PMID: 28811059, 38512072). In at least one individual the variant was observed to be de novo. ClinVar contains an entry for this variant (Variation ID: 1810671). Invitae Evidence Modeling of protein sequence and biophysical properties (such as structural, functional, and spatial information, amino acid conservation, physicochemical variation, residue mobility, and thermodynamic stability) has been performed for this missense variant. However, the output from this modeling did not meet the statistical confidence thresholds required to predict the impact of this variant on ATP1A2 protein function. In summary, the available evidence is currently insufficient to determine the role of this variant in disease. Therefore, it has been classified as a Variant of Uncertain Significance.

GeneDx
Classification: Uncertain significance. Last evaluated: 2022-07-06. Review status: criteria provided, single submitter. Criteria: GeneDx Variant Classification Process June 2021. Collection method: clinical testing. Allele origin: germline. Affected: yes.
Comment: Not observed at significant frequency in large population cohorts (gnomAD); In silico analysis supports that this missense variant has a deleterious effect on protein structure/function; This variant is associated with the following publications: (PMID: 33578253, 30842972, 35751846, 31164858, 28811059)

Literature cited by the submitters: PubMed 28811059 (cited by Labcorp Genetics (formerly Invitae), Labcorp); PubMed 38512072 (cited by Labcorp Genetics (formerly Invitae), Labcorp).